The following is an entry in ClinVar:

ClinVar aggregate classification (germline): Uncertain significance (1 of 4 stars; one submission).

Submission:

GeneDx
Classification: Uncertain significance. Last evaluated: 2024-05-13. Review status: criteria provided, single submitter. Criteria: GeneDx Variant Classification Process June 2021. Collection method: clinical testing. Allele origin: germline. Affected: yes.
Comment: Not observed at significant frequency in large population cohorts (gnomAD); In silico analysis indicates that this missense variant does not alter protein structure/function; Has not been previously published as pathogenic or benign to our knowledge

NM_000489.6(ATRX):c.2928A>C (p.Glu976Asp)

Gene: ATRX (ATRX chromatin remodeler; minus strand). Cytogenetic location: Xq21.1.
Variant type: single nucleotide variant.
Coding change: c.2928A>C on transcript NM_000489.6 (MANE Select); coding-DNA position 2928, A replaced by C.
Protein change: p.Glu976Asp; replaces glutamic acid 976 with aspartic acid.
Molecular consequence: missense variant.
Genome position (GRCh38, 1-based): chrX:77,682,328, T>G on the plus strand (A>C on the coding strand, the complement: ATRX is on the minus strand). VCF-style: chrX-77682328-T-G. GRCh37 (hg19) VCF-style: chrX-76937820-T-G.
Other names: c.2814A>C, p.Glu938Asp (NM_138270.5); short protein forms E938D, E976D.
Identifiers: ClinVar variation 3381484 (VCV003381484.1).